The following is an entry in ClinVar:

ClinVar aggregate classification (germline): Uncertain significance (1 of 4 stars; one submission).

Allele frequency attached by ClinVar (database versions not stated): gnomAD exomes 0.00001; gnomAD 0.00002; TOPMed 0.00003.

Submission:

Labcorp Genetics (formerly Invitae), Labcorp
Classification: Uncertain significance. Last evaluated: 2022-05-07. Review status: criteria provided, single submitter. Criteria: Invitae Variant Classification Sherloc (09022015). Collection method: clinical testing. Allele origin: germline.
Comment: This sequence change replaces aspartic acid, which is acidic and polar, with asparagine, which is neutral and polar, at codon 202 of the GRM7 protein (p.Asp202Asn). This variant is present in population databases (rs761983302, gnomAD 0.02%). This variant has not been reported in the literature in individuals affected with GRM7-related conditions. Algorithms developed to predict the effect of missense changes on protein structure and function are either unavailable or do not agree on the potential impact of this missense change (SIFT: "Deleterious"; PolyPhen-2: "Probably Damaging"; Align-GVGD: "Class C0"). In summary, the available evidence is currently insufficient to determine the role of this variant in disease. Therefore, it has been classified as a Variant of Uncertain Significance.

NM_000844.4(GRM7):c.604G>A (p.Asp202Asn)

Gene: GRM7 (glutamate metabotropic receptor 7; plus strand). Cytogenetic location: 3p26.1.
Variant type: single nucleotide variant.
Coding change: c.604G>A on transcript NM_000844.4 (MANE Select); coding-DNA position 604, G replaced by A.
Protein change: p.Asp202Asn; replaces aspartic acid 202 with asparagine.
Molecular consequence: missense variant.
Genome position (GRCh38, 1-based): chr3:7,146,536, G>A. VCF-style: chr3-7146536-G-A. GRCh37 (hg19) VCF-style: chr3-7188223-G-A.
Other names: c.604G>A, p.Asp202Asn (NM_181874.3); short protein forms D202N.
Identifiers: ClinVar variation 2039521 (VCV002039521.4), dbSNP rs761983302, ClinGen allele CA2234639.